The following is an entry in ClinVar:

ClinVar aggregate classification (germline): Likely benign (1 of 4 stars; one submission).

Conditions:
Thrombocytopenia. Identifiers: MedGen C0040034, MeSH D013921, MONDO:0002049, HP:0001873.

Allele frequency attached by ClinVar (database versions not stated): gnomAD exomes 0.00001 and 0.00002; gnomAD 0.00002 and 0.00005; ExAC 0.00003; TOPMed 0.00005; 1000 Genomes Project 30x 0.00047; 1000 Genomes Project 0.00060.
gnomAD v4.1: 15 of 1,613,878 alleles (0.00093%); highest among the groups gnomAD compares: African/African-American, 0.02%; no homozygotes.

Submission:

Illumina Laboratory Services, Illumina
Classification: Likely benign for Thrombocytopenia. Last evaluated: 2018-01-12. Review status: criteria provided, single submitter. Criteria: ICSL Variant Classification Criteria 13 December 2019. Collection method: clinical testing. Allele origin: germline.
Comment: This variant was observed in the ICSL laboratory as part of a predisposition screen in an ostensibly healthy population. It had not been previously curated by ICSL or reported in the Human Gene Mutation Database (HGMD: prior to June 1st, 2018), and was therefore a candidate for classification through an automated scoring system. Utilizing variant allele frequency, disease prevalence and penetrance estimates, and inheritance mode, an automated score was calculated to assess if this variant is too frequent to cause the disease. Based on the score and internal cut-off values, a variant classified as likely benign is not then subjected to further curation. The score for this variant resulted in a classification of likely benign for this disease.

NM_001172303.3(MASTL):c.1556C>T (p.Thr519Ile)

Gene: MASTL (microtubule associated serine/threonine kinase like; plus strand). Cytogenetic location: 10p12.1.
Variant type: single nucleotide variant.
Coding change: c.1556C>T on transcript NM_001172303.3 (MANE Select); coding-DNA position 1556, C replaced by T.
Protein change: p.Thr519Ile; replaces threonine 519 with isoleucine.
Molecular consequence: missense variant. On other transcripts: non-coding transcript variant (1).
Genome position (GRCh38, 1-based): chr10:27,170,515, C>T. VCF-style: chr10-27170515-C-T. GRCh37 (hg19) VCF-style: chr10-27459444-C-T.
Other names: c.1556C>T, p.Thr519Ile (NM_001172304.3, NM_001320756.2, NM_001320757.2 and 1 more transcripts); c.1073C>T, p.Thr358Ile (NM_001372029.1, NM_001372030.1); short protein forms T519I, T358I.
Identifiers: ClinVar variation 878466 (VCV000878466.4), dbSNP rs147548167, ClinGen allele CA5450241.